The following is an entry in ClinVar:

NM_001684.5(ATP2B4):c.3431G>C (p.Arg1144Pro)

Gene: ATP2B4 (ATPase plasma membrane Ca2+ transporting 4; plus strand). Cytogenetic location: 1q32.1.
Variant type: single nucleotide variant.
Coding change: c.3431G>C on transcript NM_001684.5 (MANE Select); coding-DNA position 3431, G replaced by C.
Protein change: p.Arg1144Pro; replaces arginine 1144 with proline.
Molecular consequence: missense variant. On other transcripts: 3 prime UTR variant (1).
Genome position (GRCh38, 1-based): chr1:203,739,667, G>C. VCF-style: chr1-203739667-G-C. GRCh37 (hg19) VCF-style: chr1-203708795-G-C.
Other names: c.*96G>C (NM_001001396.3); short protein forms R1144P.
Identifiers: ClinVar variation 2393175 (VCV002393175.26), dbSNP rs567340474, ClinGen allele CA1342234.
Genomic context (GRCh38, chr1:203,739,667, plus strand): 5'-AAAAGTCCATCCACAGCTTCATGACCCACCCTGAATTCGCCATAGAGGAGGAGTTGCCAC[G>C]AACACCACTCCTGGATGAGGAAGAGGAGGAAAATCCTGACAAGGCTTCTAAGTTTGGGAC-3'
Protein context (NP_001675.3, residues 1134-1154): PEFAIEEELP[Arg1144Pro]TPLLDEEEEE

ClinVar aggregate classification (germline): Conflicting classifications of pathogenicity. Review status: criteria provided, conflicting classifications (1 of 4 stars). 2 submissions from 2 submitters: Uncertain significance (1); Likely benign (1). Last evaluated 2023-04-01.

Allele frequency attached by ClinVar (database versions not stated): 1000 Genomes Project 30x 0.00016; 1000 Genomes Project 0.00020.
gnomAD v4.1: 101 of 1,614,088 alleles (0.0063%); highest among the groups gnomAD compares: South Asian, 0.1%; no homozygotes.

Submissions (2):

CeGaT Center for Human Genetics Tuebingen
Classification: Likely benign. Last evaluated: 2023-04-01. Review status: criteria provided, single submitter. Criteria: CeGaT Center For Human Genetics Tuebingen Variant Classification Criteria Version 2. Collection method: clinical testing. Allele origin: germline. Affected: yes. Observed: 1 variant allele.
Comment: ATP2B4: BP4

Ambry Genetics
Classification: Uncertain significance. Last evaluated: 2022-01-04. Review status: criteria provided, single submitter. Criteria: Ambry Variant Classification Scheme 2023. Collection method: clinical testing. Allele origin: germline.